The following is an entry in ClinVar:

NM_001166114.2(PNPLA6):c.1914G>A (p.Trp638Ter)

Gene: PNPLA6 (patatin like domain 6, lysophospholipase; plus strand). Cytogenetic location: 19p13.2.
Variant type: single nucleotide variant.
Coding change: c.1914G>A on transcript NM_001166114.2 (MANE Select); coding-DNA position 1914, G replaced by A.
Protein change: p.Trp638Ter; replaces tryptophan 638 with a stop codon.
Molecular consequence: nonsense.
Genome position (GRCh38, 1-based): chr19:7,550,397, G>A. VCF-style: chr19-7550397-G-A. GRCh37 (hg19) VCF-style: chr19-7615283-G-A.
Other names: c.1941G>A, p.Trp647Ter (NM_001166111.2); c.1719G>A, p.Trp573Ter (NM_001166112.2); c.1797G>A, p.Trp599Ter (NM_001166113.1, NM_006702.5); short protein forms W573*, W599*, W638*, W647*.
Identifiers: ClinVar variation 4531194 (VCV004531194.1).

ClinVar aggregate classification (germline): Likely pathogenic (1 of 4 stars; one submission).

Conditions:
Laurence-Moon syndrome (LNMS). Also called: PNPLA6-Related Laurence-Moon Syndrome (LMS). Identifiers: Orphanet 2377, MedGen C0023138, MONDO:0009514, OMIM 245800.
Ataxia-hypogonadism-choroidal dystrophy syndrome (BNHS). Also called: Chorioretinal dystrophy, spinocerebellar ataxia and hypogonadotropic hypogonadism; Boucher-Neuhäuser Syndrome (BNS). Identifiers: Orphanet 1180, MedGen C1859093, MONDO:0008980, OMIM 215470.
Hereditary spastic paraplegia 39 (SPG39). Also called: SPASTIC PARAPLEGIA 39, AUTOSOMAL RECESSIVE; Spastic Paraplegia Type 39 (SPG39). Identifiers: Orphanet 139480, MedGen C2677586, MONDO:0012787, OMIM 612020.
Trichomegaly-retina pigmentary degeneration-dwarfism syndrome (OMCS). Also called: Eyelashes long mental retardation; Trichomegaly retina pigmentary degeneration dwarfism; OLIVER-MCFARLANE SYNDROME; Oliver-McFarlane Syndrome (OMCS). Identifiers: Orphanet 3363, MedGen C1848745, MONDO:0010152, OMIM 275400.

Submission:

Juno Genomics, Hangzhou Juno Genomics, Inc
Classification: Likely pathogenic for Laurence-Moon syndrome; Ataxia-hypogonadism-choroidal dystrophy syndrome; Trichomegaly-retina pigmentary degeneration-dwarfism syndrome; Hereditary spastic paraplegia 39. Review status: criteria provided, single submitter. Criteria: ACMG Guidelines, 2015. Collection method: clinical testing. Allele origin: germline. Affected: yes.
Comment: Absent from controls (or at extremely low frequency if recessive) in Genome Aggregation Database, Exome Sequencing Project, 1000 Genomes Project, or Exome Aggregation Consortium.;Null variant in a gene where loss of function (LOF) is a known mechanism of disease.